The following is an entry in ClinVar:

ClinVar aggregate classification (germline): Uncertain significance (1 of 4 stars; one submission).

Submission:

Labcorp Genetics (formerly Invitae), Labcorp
Classification: Uncertain significance. Last evaluated: 2025-08-18. Review status: criteria provided, single submitter. Criteria: Invitae Variant Classification Sherloc (09022015). Collection method: clinical testing. Allele origin: germline.
Comment: This sequence change replaces glycine, which is neutral and non-polar, with aspartic acid, which is acidic and polar, at codon 304 of the POLE protein (p.Gly304Asp). This variant is not present in population databases (gnomAD no frequency). This variant has not been reported in the literature in individuals affected with POLE-related conditions. An algorithm developed to predict the effect of missense changes on protein structure and function (PolyPhen-2) suggests that this variant is likely to be disruptive. In summary, the available evidence is currently insufficient to determine the role of this variant in disease. Therefore, it has been classified as a Variant of Uncertain Significance.

NM_006231.4(POLE):c.911G>A (p.Gly304Asp)

Gene: POLE (DNA polymerase epsilon, catalytic subunit; minus strand). Cytogenetic location: 12q24.33.
Variant type: single nucleotide variant.
Coding change: c.911G>A on transcript NM_006231.4 (MANE Select); coding-DNA position 911, G replaced by A.
Protein change: p.Gly304Asp; replaces glycine 304 with aspartic acid.
Molecular consequence: missense variant.
Genome position (GRCh38, 1-based): chr12:132,676,203, C>T on the plus strand (G>A on the coding strand, the complement: POLE is on the minus strand). VCF-style: chr12-132676203-C-T. GRCh37 (hg19) VCF-style: chr12-133252789-C-T.
Other names: short protein forms G304D.
Identifiers: ClinVar variation 4725607 (VCV004725607.1).